The following is an entry in ClinVar:

NM_000059.4(BRCA2):c.6538T>G (p.Leu2180Val)

Gene: BRCA2 (BRCA2 DNA repair associated; plus strand). Cytogenetic location: 13q13.1.
Variant type: single nucleotide variant.
Coding change: c.6538T>G on transcript NM_000059.4 (MANE Select); coding-DNA position 6538, T replaced by G.
Protein change: p.Leu2180Val; replaces leucine 2180 with valine.
Molecular consequence: missense variant.
Genome position (GRCh38, 1-based): chr13:32,340,893, T>G. VCF-style: chr13-32340893-T-G. GRCh37 (hg19) VCF-style: chr13-32915030-T-G.
Other names: p.L2180V:TTG>GTG; short protein forms L2180V.
Identifiers: ClinVar variation 182226 (VCV000182226.18), dbSNP rs730881544, ClinGen allele CA024151.

ClinVar aggregate classification (germline): Conflicting classifications of pathogenicity. Review status: criteria provided, conflicting classifications (1 of 4 stars). 5 submissions from 5 submitters: Uncertain significance (4); Likely benign (1). Last evaluated 2025-08-19.

Conditions:
Hereditary cancer-predisposing syndrome. Also called: Tumor predisposition; Hereditary Cancer Syndrome; Hereditary neoplastic syndrome; Neoplastic Syndromes, Hereditary. Identifiers: Orphanet 140162, MedGen C0027672, MeSH D009386, MONDO:0015356.
Hereditary breast ovarian cancer syndrome. Also called: Breast and ovarian cancer; Hereditary breast and ovarian cancer; Hereditary breast and/or ovarian cancer syndrome; BRCA1- and BRCA2-Associated Hereditary Breast and Ovarian Cancer; Hereditary breast and ovarian cancer syndrome (HBOC); Hereditary breast and ovarian cancer syndrome. Identifiers: Orphanet 145, MedGen C0677776, MeSH D061325, MONDO:0003582. Disease mechanism: loss of function.

Submissions (5):

Color Diagnostics, LLC DBA Color Health
Classification: Uncertain significance for Hereditary cancer-predisposing syndrome. Last evaluated: 2025-08-19. Review status: criteria provided, single submitter. Criteria: ACMG Guidelines, 2015. Collection method: clinical testing. Allele origin: germline.
Comment: This missense variant replaces leucine with valine at codon 2180 of the BRCA2 protein. Computational prediction suggests that this variant may not impact protein structure and function. To our knowledge, functional studies have not been reported for this variant. This variant has not been reported in individuals affected with hereditary cancer in the literature. This variant has not been identified in the general population by the Genome Aggregation Database (gnomAD). The available evidence is insufficient to determine the role of this variant in disease conclusively. Therefore, this variant is classified as a Variant of Uncertain Significance.

University of Washington Department of Laboratory Medicine, University of Washington
Classification: Likely benign for Hereditary cancer-predisposing syndrome. Last evaluated: 2023-03-23. Review status: criteria provided, single submitter. Criteria: Dines et al. (Genet Med. 2020). Collection method: curation. Allele origin: germline.
Comment: Missense variant in a coldspot region where missense variants are very unlikely to be pathogenic (PMID:31911673).

BRCA2 exon 11 coldspot. Reclassification based on statistical prior probability.

Labcorp Genetics (formerly Invitae), Labcorp
Classification: Uncertain significance for Hereditary breast ovarian cancer syndrome. Last evaluated: 2020-05-27. Review status: criteria provided, single submitter. Criteria: Invitae Variant Classification Sherloc (09022015). Collection method: clinical testing. Allele origin: germline.
Comment: This sequence change replaces leucine with valine at codon 2180 of the BRCA2 protein (p.Leu2180Val). The leucine residue is moderately conserved and there is a small physicochemical difference between leucine and valine. This variant is not present in population databases (ExAC no frequency). This variant has not been reported in the literature in individuals with BRCA2-related conditions. ClinVar contains an entry for this variant (Variation ID: 182226). Algorithms developed to predict the effect of missense changes on protein structure and function are either unavailable or do not agree on the potential impact of this missense change (SIFT: "Tolerated"; PolyPhen-2: "Probably Damaging"; Align-GVGD: "Class C0"). In summary, the available evidence is currently insufficient to determine the role of this variant in disease. Therefore, it has been classified as a Variant of Uncertain Significance.

Ambry Genetics
Classification: Uncertain significance for Hereditary cancer-predisposing syndrome. Last evaluated: 2018-08-28. Review status: criteria provided, single submitter. Criteria: Ambry Variant Classification Scheme 2023. Collection method: clinical testing. Allele origin: germline.
Comment: The p.L2180V variant (also known as c.6538T>G), located in coding exon 10 of the BRCA2 gene, results from a T to G substitution at nucleotide position 6538. The leucine at codon 2180 is replaced by valine, an amino acid with highly similar properties. This amino acid position is not well conserved in available vertebrate species. In addition, the in silico prediction for this alteration is inconclusive. Since supporting evidence is limited at this time, the clinical significance of this alteration remains unclear.

GeneDx
Classification: Uncertain significance. Last evaluated: 2014-04-04. Review status: criteria provided, single submitter. Criteria: GeneDx Variant Classification (06012015). Collection method: clinical testing. Allele origin: germline. Affected: yes.
Comment: This variant is denoted BRCA2 c.6538T>G at the cDNA level, p.Leu2180Val (L2180V) at the protein level, and results in the change of a Leucine to a Valine (TTG>GTG). This variant has not, to our knowledge, been published in the literature as pathogenic or benign. BRCA2 Leu2180Val was not observed in approximately 6,500 individuals of European and African American ancestry in the NHLBI Exome Sequencing Project, indicating it is not a common benign variant in these populations. Since Leucine and Valine share similar properties, this is considered a conservative amino acid substitution and is unlikely to affect protein integrity. BRCA2 Leu2180Val occurs at a position that is moderately conserved across species and is not located in a known functional domain. In silico analyses are inconsistent regarding the effect this variant may have on protein structure and function. Based on currently available information, it is unclear whether BRCA2 Leu2180Val is pathogenic or benign. We consider it to be a variant of uncertain significance.